The following is an entry in ClinVar:

NM_017763.6(RNF43):c.123A>G (p.Ser41=)

Gene: RNF43 (ring finger protein 43; minus strand). Cytogenetic location: 17q22.
Variant type: single nucleotide variant.
Coding change: c.123A>G on transcript NM_017763.6 (MANE Select); coding-DNA position 123, A replaced by G.
Protein change: p.Ser41=; no amino-acid change (serine 41 retained).
Molecular consequence: synonymous variant.
Genome position (GRCh38, 1-based): chr17:58,415,455, T>C on the plus strand (A>G on the coding strand, the complement: RNF43 is on the minus strand). VCF-style: chr17-58415455-T-C. GRCh37 (hg19) VCF-style: chr17-56492816-T-C.
Other names: c.123A>G, p.Ser41= (NM_001305544.3).
Identifiers: ClinVar variation 3713611 (VCV003713611.4).
Genomic context (GRCh38, chr17:58,415,455, plus strand): 5'-CAGTTTTCCTGTGGGGTCCATTTTCAAGGGGATCACTCTGATAATAGCTTTCTGTTCTGC[T>C]GATCTTTCAGACTCCACCGCTGCTGCCAGTACCAGTCCTGTGCGTCCAAAGCCTGCCTGC-3'
Protein context (NP_060233.3, residues 31-51): VLAAAVESER[Ser41=]AEQKAIIRVI

ClinVar aggregate classification (germline): Benign/Likely benign. Review status: criteria provided, multiple submitters, no conflicts (2 of 4 stars). 3 submissions from 3 submitters: Benign (1); Likely benign (2). Last evaluated 2026-06-29.

Conditions:
Sessile serrated polyposis cancer syndrome (SSPCS). Identifiers: Orphanet 157798, MedGen C4310714, MONDO:0014919, OMIM 617108.

gnomAD v4.1: 3 of 1,614,214 alleles (0.00019%); highest among the groups gnomAD compares: Non-Finnish European, 0.00025%; no homozygotes.

Submissions (3):

Myriad Genetics, Inc.
Classification: Benign for Sessile serrated polyposis cancer syndrome. Last evaluated: 2026-06-29. Review status: criteria provided, single submitter. Criteria: Myriad Autosomal Dominant, Autosomal Recessive and X-Linked Classification Criteria (2023). Collection method: clinical testing. Allele origin: unknown.
Comment: This variant is considered benign. This variant is a silent/synonymous amino acid change and it is not expected to impact splicing.

Ambry Genetics
Classification: Likely benign. Last evaluated: 2024-12-14. Review status: criteria provided, single submitter. Criteria: Ambry Variant Classification Scheme 2023. Collection method: clinical testing. Allele origin: germline.

Labcorp Genetics (formerly Invitae), Labcorp
Classification: Likely benign. Last evaluated: 2024-09-04. Review status: criteria provided, single submitter. Criteria: Invitae Variant Classification Sherloc (09022015). Collection method: clinical testing. Allele origin: germline.